The following is an entry in ClinVar:

ClinVar aggregate classification (germline): Pathogenic. Review status: criteria provided, multiple submitters, no conflicts (2 of 4 stars). 2 submissions from 2 submitters: Pathogenic (2). Last evaluated 2023-04-10.

Conditions:
Autosomal recessive nonsyndromic hearing loss 3. Also called: NEUROSENSORY NONSYNDROMIC RECESSIVE DEAFNESS 3. Identifiers: Orphanet 90636, MedGen C1838263, MONDO:0010860, OMIM 600316.

Submissions (2):

Labcorp Genetics (formerly Invitae), Labcorp
Classification: Pathogenic. Last evaluated: 2023-04-10. Review status: criteria provided, single submitter. Criteria: Invitae Variant Classification Sherloc (09022015). Collection method: clinical testing. Allele origin: germline.
Comment: For these reasons, this variant has been classified as Pathogenic. ClinVar contains an entry for this variant (Variation ID: 984792). This premature translational stop signal has been observed in individual(s) with autosomal recessive nonsyndromic deafness (PMID: 33398081). It has also been observed to segregate with disease in related individuals. This variant is not present in population databases (gnomAD no frequency). This sequence change creates a premature translational stop signal (p.Ala2968Profs*33) in the MYO15A gene. It is expected to result in an absent or disrupted protein product. Loss-of-function variants in MYO15A are known to be pathogenic (PMID: 17546645).

Laboratory of Prof. Karen Avraham, Tel Aviv University
Classification: Pathogenic for Autosomal recessive nonsyndromic hearing loss 3. Last evaluated: 2020-10-27. Review status: criteria provided, single submitter. Criteria: ACMG Guidelines, 2015. Collection method: research. Allele origin: germline. Affected: yes.
Comment: Recessive, congenital SNHL

Compound heterozygous with NM_016239.4:c.9861C>T

Literature cited by the submitters: PubMed 33398081 (cited by Labcorp Genetics (formerly Invitae), Labcorp); PubMed 17546645 (cited by Labcorp Genetics (formerly Invitae), Labcorp).

NM_016239.4(MYO15A):c.8897_8900dup (p.Ala2968fs)

Gene: MYO15A (myosin XVA; plus strand). Cytogenetic location: 17p11.2.
Variant type: Duplication.
Coding change: c.8897_8900dup on transcript NM_016239.4 (MANE Select); coding-DNA positions 8897 to 8900, 4 bases duplicated (GCCG; older notation c.8897_8900dupGCCG).
Protein change: p.Ala2968fs; shifts the reading frame from alanine 2968.
Molecular consequence: frameshift variant.
Genome position (GRCh38, 1-based): chr17:18,157,830-18,157,833, GCCG duplicated; duplicating any 4 consecutive bases within chr17:18,157,828-18,157,833 gives the same sequence; the c. name uses the placement nearest the transcript's 3' end. VCF-style (leftmost placement, unchanged base first): chr17-18157827-G-GCGGC. GRCh37 (hg19) VCF-style: chr17-18061141-G-GCGGC.
Other names: short protein forms A2968fs.
Identifiers: ClinVar variation 984792 (VCV000984792.4), dbSNP rs2046704290, ClinGen allele CA1139665254.